The following is an entry in ClinVar:

NM_007078.3(LDB3):c.659G>A (p.Gly220Glu)

Gene: LDB3 (LIM domain binding 3; plus strand). Cytogenetic location: 10q23.2.
Variant type: single nucleotide variant.
Coding change: c.659G>A on transcript NM_007078.3 (MANE Select); coding-DNA position 659, G replaced by A.
Protein change: p.Gly220Glu; replaces glycine 220 with glutamic acid.
Molecular consequence: missense variant. On other transcripts: intron variant (5).
Genome position (GRCh38, 1-based): chr10:86,681,773, G>A. VCF-style: chr10-86681773-G-A. GRCh37 (hg19) VCF-style: chr10-88441530-G-A.
Other names: c.659G>A, p.Gly220Glu (NM_001080115.2, NM_001171610.2, NM_001171611.2 and 3 more transcripts); c.321+1616G>A (NM_001368068.1, NM_001368066.1, NM_001080114.2 and 2 more transcripts); short protein forms G220E.
Identifiers: ClinVar variation 4097073 (VCV004097073.1).
Genomic context (GRCh38, chr10:86,681,773, plus strand): 5'-GCCTGTACTCGGCAGAGACCCTGAGGGAGATGGCTCAGATGTACCAGATGAGCCTCCGAG[G>A]GAAGGCCTCGGGTGTCGGACTCCCAGGAGGGTAGGTAACGGACATACAGCTCTCCACAGG-3'
Protein context (NP_009009.1, residues 210-230): MAQMYQMSLR[Gly220Glu]KASGVGLPGG

ClinVar aggregate classification (germline): Uncertain significance (1 of 4 stars; one submission).

Conditions:
Cardiovascular phenotype. Identifiers: MedGen CN230736.

Submission:

Ambry Genetics
Classification: Uncertain significance for Cardiovascular phenotype. Last evaluated: 2025-06-17. Review status: criteria provided, single submitter. Criteria: Ambry Variant Classification Scheme 2023. Collection method: clinical testing. Allele origin: germline.
Comment: The p.G220E variant (also known as c.659G>A), located in coding exon 4 of the LDB3 gene, results from a G to A substitution at nucleotide position 659. The glycine at codon 220 is replaced by glutamic acid, an amino acid with similar properties. This amino acid position is conserved. In addition, the in silico prediction for this alteration is inconclusive. Based on the available evidence, the clinical significance of this variant remains unclear.